The following is an entry in ClinVar:

ClinVar aggregate classification (germline): Uncertain significance. Review status: reviewed by expert panel (3 of 4 stars). 5 submissions from 5 submitters: Uncertain significance (1). 4 of the submissions do not count toward it. Last evaluated 2025-09-29.

Conditions:
Leber congenital amaurosis 4 (LCA4). Identifiers: MedGen C1858386, MONDO:0011458, OMIM 604393.
AIPL1-related retinopathy. Also called: AIPL1 retinopathy. Identifiers: MedGen CN305590, MONDO:0100438.

Allele frequency attached by ClinVar (database versions not stated): gnomAD 0.00002; TOPMed 0.00002; ExAC 0.00004; gnomAD exomes 0.00004 and 0.00007.
gnomAD v4.1: 102 of 1,613,924 alleles (0.0063%); highest among the groups gnomAD compares: Non-Finnish European, 0.0081%; no homozygotes.

Submissions (5):

ClinGen Leber Congenital Amaurosis/early Onset Retinal Dystrophy Variant Curation Expert Panel, ClinGen
Classification: Uncertain significance for AIPL1-related retinopathy. Last evaluated: 2025-09-29. Review status: reviewed by expert panel. Criteria: ClinGen LCAeoRD ACMG Specifications AIPL1 V1.0.0. Collection method: curation. Allele origin: germline. Inheritance: Autosomal recessive inheritance.
Comment: NM_014336.5(AIPL1):c.157C>T (p.Arg53Trp) is a missense variant resulting in replacement of arginine by tryptophan at amino acid p.53. This variant is present in gnomAD v.4.1.0 at a total allele frequency of 0.00006320, with 102 / 1,613,924 total alleles, which is lower than the ClinGen LCA/eoRD VCEP PM2_Supporting threshold of <0.0004 (PM2_Supporting). This variant has been reported in at least 2 probands diagnosed with either macular degeneration (VCEP member-provided data, GeneDx) or Leber congenital amaurosis (PMID: 33067476) who harbored the variant in the heterozygous state . However, the probands were not counted for PM3 because no second AIPL1 variant was detected. The computational predictor REVEL gives a score of 0.669, which is above the ClinGen LCA/eoRD VCEP threshold of ≥0.644 and predicts a damaging effect on RetGC-1 protein function (PP3). Additionally, the splicing impact predictor SpliceAI gives a score of 0.03 for acceptor loss, which is below the ClinGen LCA/eoRD VCEP recommended threshold of ≥0.2 and does not strongly predict an impact on splicing. The exogenously expressed variant exhibited localization to intracellular inclusions in some studies (PMID: 33067476) but not others (PMID: 27268253). However, these assays are too ambiguous to interpret so PS3_Supporting has not been applied. In summary, this variant meets the criteria to be classified as a Variant of Uncertain Significance for AIPL1-related retinopathy based on the ACMG/AMP criteria applied, as specified by the ClinGen LCA/eoRD VCEP: PM2_Supporting and PP3. (VCEP specifications version 1.0.0; date of approval 09/24/2025).

Blueprint Genetics
Classification: Uncertain significance. Last evaluated: 2023-04-26. Review status: criteria provided, single submitter. Criteria: ACMG Guidelines, 2015. Collection method: clinical testing. Allele origin: germline. Not counted in ClinVar's aggregate classification.

Labcorp Genetics (formerly Invitae), Labcorp
Classification: Uncertain significance for Leber congenital amaurosis 4. Last evaluated: 2022-02-11. Review status: criteria provided, single submitter. Criteria: Invitae Variant Classification Sherloc (09022015). Collection method: clinical testing. Allele origin: germline. Not counted in ClinVar's aggregate classification.
Comment: This sequence change replaces arginine, which is basic and polar, with tryptophan, which is neutral and slightly polar, at codon 53 of the AIPL1 protein (p.Arg53Trp). This variant is present in population databases (rs62637008, gnomAD 0.007%). This missense change has been observed in individual(s) with Leber congenital amaurosis (PMID: 33067476). ClinVar contains an entry for this variant (Variation ID: 99790). Algorithms developed to predict the effect of missense changes on protein structure and function are either unavailable or do not agree on the potential impact of this missense change (SIFT: "Deleterious"; PolyPhen-2: "Probably Damaging"; Align-GVGD: "Class C0"). Studies have shown that this missense change alters AIPL1 gene expression (PMID: 33067476). In summary, the available evidence is currently insufficient to determine the role of this variant in disease. Therefore, it has been classified as a Variant of Uncertain Significance.

GeneDx
Classification: Uncertain significance. Last evaluated: 2019-05-13. Review status: criteria provided, single submitter. Criteria: GeneDx Variant Classification Process June 2021. Collection method: clinical testing. Allele origin: germline. Affected: yes. Not counted in ClinVar's aggregate classification.
Comment: Identified in an individual with Leber congenital amaurosis in a published abstract who had a benign variant on the opposite allele (in trans), and no other variants in AIPL1 were reported (Preising et al., 2002); A published functional study demonstrated that R53W blocks interaction with NUB1, and AIPL1-interacting protein, however, another functional study in mice demonstrated that R53W maintains similar chaperone function compared to wild type. The significance of these functional studies is unknown (Akey et al., 2002; Gopalakrishna et al., 2016); In silico analysis, which includes protein predictors and evolutionary conservation, supports a deleterious effect; In-silico analysis, which includes splice predictors and evolutionary conservation, is inconclusive as to whether the variant alters gene splicing. In the absence of RNA/functional studies, the actual effect of this sequence change is unknown.; This variant is associated with the following publications: (PMID: 12374762, 28939106, 27268253, 23737531, 16123401, 33067476)

Retina International
No classification provided. Review status: no classification provided. Collection method: not provided. Allele origin: not provided. Not counted in ClinVar's aggregate classification.

Literature cited by the submitters: PubMed 33067476 (cited by Labcorp Genetics (formerly Invitae), Labcorp).

NM_014336.5(AIPL1):c.157C>T (p.Arg53Trp)

Gene: AIPL1 (AIP like 1 HSP90 co-chaperone; minus strand). Cytogenetic location: 17p13.2.
Variant type: single nucleotide variant.
Coding change: c.157C>T on transcript NM_014336.5 (MANE Select); coding-DNA position 157, C replaced by T.
Protein change: p.Arg53Trp; replaces arginine 53 with tryptophan.
Molecular consequence: missense variant. On other transcripts: intron variant (2).
Genome position (GRCh38, 1-based): chr17:6,434,038, G>A on the plus strand (C>T on the coding strand, the complement: AIPL1 is on the minus strand). VCF-style: chr17-6434038-G-A. GRCh37 (hg19) VCF-style: chr17-6337358-G-A.
Other names: NM_014336.5(AIPL1):c.157C>T; p.Arg53Trp; c.157C>T, p.Arg53Trp (NM_001033054.3, NM_001285401.3, NM_001285403.4); c.121C>T, p.Arg41Trp (NM_001285399.3); c.40C>T, p.Arg14Trp (NM_001285402.2); c.96+971C>T (NM_001033055.3); c.97-6C>T (NM_001285400.3); short protein forms R53W, R14W, R41W.
Identifiers: ClinVar variation 99790 (VCV000099790.11), dbSNP rs62637008, ClinGen allele CA227866.
Genomic context (GRCh38, chr17:6,434,038, plus strand): 5'-CCCAGACCTCGAGCTTGAACATGTTTCCGATGATGATGTGCATGGGCTGGCCCACCTGCC[G>A]ACTGTCGTCAATGACTGTCCGCTCCTCATCACATTTCATGGTGCGGAAATGAAAGATCAC-3'
Protein context (NP_055151.3, residues 43-63): DEERTVIDDS[Arg53Trp]QVGQPMHIII